The following is an entry in ClinVar:

ClinVar aggregate classification (germline): Uncertain significance (1 of 4 stars; one submission).

Conditions:
Cardiovascular phenotype. Identifiers: MedGen CN230736.

gnomAD v4.1: 1 of 1,613,122 alleles (0.000062%); highest among the groups gnomAD compares: Non-Finnish European, 0.000085%; no homozygotes.

Submission:

Ambry Genetics
Classification: Uncertain significance for Cardiovascular phenotype. Last evaluated: 2026-04-09. Review status: criteria provided, single submitter. Criteria: Ambry Variant Classification Scheme 2023. Collection method: clinical testing. Allele origin: germline.
Comment: The p.I1671M variant (also known as c.5013C>G), located in coding exon 10 of the ALPK3 gene, results from a C to G substitution at nucleotide position 5013. The isoleucine at codon 1671 is replaced by methionine, an amino acid with highly similar properties. This amino acid position is conserved. In addition, this alteration is predicted to be tolerated by in silico analysis. Based on the available evidence, the clinical significance of this variant remains unclear.

NM_020778.5(ALPK3):c.4407C>G (p.Ile1469Met)

Gene: ALPK3 (alpha kinase 3; plus strand). Cytogenetic location: 15q25.3.
Variant type: single nucleotide variant.
Coding change: c.4407C>G on transcript NM_020778.5 (MANE Select); coding-DNA position 4407, C replaced by G.
Protein change: p.Ile1469Met; replaces isoleucine 1469 with methionine.
Molecular consequence: missense variant.
Genome position (GRCh38, 1-based): chr15:84,862,912, C>G. VCF-style: chr15-84862912-C-G. GRCh37 (hg19) VCF-style: chr15-85406143-C-G.
Other names: short protein forms I1469M.
Identifiers: ClinVar variation 4871229 (VCV004871229.1).